The following is an entry in ClinVar:

NM_033056.4(PCDH15):c.4487C>T (p.Ala1496Val)

Gene: PCDH15 (protocadherin related 15; minus strand). Cytogenetic location: 10q21.1.
Variant type: single nucleotide variant.
Coding change: c.4487C>T on transcript NM_033056.4 (MANE Plus Clinical); coding-DNA position 4487, C replaced by T.
Protein change: p.Ala1496Val; replaces alanine 1496 with valine.
Molecular consequence: missense variant. On other transcripts: intron variant (8).
Genome position (GRCh38, 1-based): chr10:53,823,239, G>A on the plus strand (C>T on the coding strand, the complement: PCDH15 is on the minus strand). VCF-style: chr10-53823239-G-A. GRCh37 (hg19) VCF-style: chr10-55582999-G-A.
Other names: c.4508C>T, p.Ala1503Val (NM_001142763.2); c.4493C>T, p.Ala1498Val (NM_001142764.2); c.4280C>T, p.Ala1427Val (NM_001142765.2); c.4478C>T, p.Ala1493Val (NM_001142766.2); c.4367C>T, p.Ala1456Val (NM_001142767.2); c.4427C>T, p.Ala1476Val (NM_001142768.2); c.4418C>T, p.Ala1473Val (NM_001142773.2); c.4421C>T, p.Ala1474Val (NM_001354404.2); and 6 more; short protein forms A1456V, A1476V, A1427V, A1473V, A1496V, A1498V, A1503V, A1474V.
Identifiers: ClinVar variation 1467054 (VCV001467054.5), dbSNP rs2076426919, ClinGen allele CA376527222.

ClinVar aggregate classification (germline): Uncertain significance (1 of 4 stars; one submission).

Submission:

Labcorp Genetics (formerly Invitae), Labcorp
Classification: Uncertain significance. Last evaluated: 2022-02-08. Review status: criteria provided, single submitter. Criteria: Invitae Variant Classification Sherloc (09022015). Collection method: clinical testing. Allele origin: germline.
Comment: This sequence change replaces alanine, which is neutral and non-polar, with valine, which is neutral and non-polar, at codon 1496 of the PCDH15 protein (p.Ala1496Val). This variant is not present in population databases (gnomAD no frequency). This variant has not been reported in the literature in individuals affected with PCDH15-related conditions. Algorithms developed to predict the effect of missense changes on protein structure and function are either unavailable or do not agree on the potential impact of this missense change (SIFT: "Deleterious"; PolyPhen-2: "Benign"; Align-GVGD: "Class C0"). In summary, the available evidence is currently insufficient to determine the role of this variant in disease. Therefore, it has been classified as a Variant of Uncertain Significance.